The following is an entry in ClinVar:

NM_001267550.2(TTN):c.79481C>T (p.Ala26494Val)

Genes: TTN (titin; minus strand), TTN-AS1 (TTN antisense RNA 1; plus strand). Cytogenetic location: 2q31.2.
Variant type: single nucleotide variant.
Coding change: c.79481C>T on transcript NM_001267550.2 (MANE Select); coding-DNA position 79481, C replaced by T.
Protein change: p.Ala26494Val; replaces alanine 26494 with valine.
Molecular consequence: missense variant.
Genome position (GRCh38, 1-based): chr2:178,566,651, G>A on the plus strand (C>T on the coding strand, the complement: TTN is on the minus strand). VCF-style: chr2-178566651-G-A. GRCh37 (hg19) VCF-style: chr2-179431378-G-A.
Other names: c.74558C>T, p.Ala24853Val (NM_001256850.1); c.52286C>T, p.Ala17429Val (NM_003319.4); c.71777C>T, p.Ala23926Val (NM_133378.4); c.52661C>T, p.Ala17554Val (NM_133432.3); c.52862C>T, p.Ala17621Val (NM_133437.4); short protein forms A26494V, A23926V, A17554V, A17621V, A24853V, A17429V.
Identifiers: ClinVar variation 196090 (VCV000196090.47), dbSNP rs368484949, ClinGen allele CA242883.

ClinVar aggregate classification (germline): Uncertain significance. Review status: criteria provided, multiple submitters, no conflicts (2 of 4 stars). 6 submissions from 6 submitters: Uncertain significance (6). Last evaluated 2026-02-24.

Conditions:
TTN-related disorder. Also called: TTN-related condition; TTN-related disease; TTN-related disorders.
Cardiovascular phenotype. Identifiers: MedGen CN230736.
Early-onset myopathy with fatal cardiomyopathy (CMYO5). Also called: Salih Myopathy; CONGENITAL MYOPATHY 5 WITH CARDIOMYOPATHY. Identifiers: Orphanet 289377, MedGen C2673677, MONDO:0012714, OMIM 611705. Disease mechanism: loss of function.
Autosomal recessive limb-girdle muscular dystrophy type 2J (LGMDR10). Also called: Limb-girdle muscular dystrophy, type 2J; MUSCULAR DYSTROPHY, LIMB-GIRDLE, AUTOSOMAL RECESSIVE 10. Identifiers: Orphanet 140922, MedGen C1837342, MONDO:0012127, OMIM 608807.
Myopathy, myofibrillar, 9, with early respiratory failure (MFM9). Also called: EDSTROM MYOPATHY; MYOPATHY, PROXIMAL, WITH EARLY RESPIRATORY MUSCLE INVOLVEMENT; Myopathy, distal, with early respiratory failure, autosomal dominant; Hereditary myopathy with early respiratory failure. Identifiers: Orphanet 178464, Orphanet 34521, MedGen C1863599, MONDO:0011362, OMIM 603689.
Dilated cardiomyopathy 1G (CMD1G). Identifiers: Orphanet 154, MedGen C1858763, MONDO:0011400, OMIM 604145.
Tibial muscular dystrophy (TMD). Also called: Tibial muscular dystrophy, tardive; UDD MYOPATHY; Udd Distal Myopathy – Tibial Muscular Dystrophy. Identifiers: Orphanet 609, MedGen C1838244, MONDO:0010870, OMIM 600334.
Hypertrophic cardiomyopathy 9. Also called: Familial hypertrophic cardiomyopathy 9. Identifiers: MedGen C1861065, MONDO:0013412, OMIM 613765.

Allele frequency attached by ClinVar (database versions not stated): gnomAD 0.00003; gnomAD exomes 0.00003 and 0.00004; TOPMed 0.00003; ExAC 0.00004; ESP Exome Variant Server 0.00008.
gnomAD v4.1: 72 of 1,612,776 alleles (0.0045%); highest among the groups gnomAD compares: Non-Finnish European, 0.0056%; no homozygotes.

Submissions (6):

PreventionGenetics, part of Exact Sciences
Classification: Uncertain significance for TTN-related condition. Last evaluated: 2026-02-24. Review status: criteria provided, single submitter. Criteria: ACMG Guidelines, 2015. Collection method: clinical testing. Allele origin: germline.
Comment: The TTN c.79481C>T variant is predicted to result in the amino acid substitution p.Ala26494Val. To our knowledge, this variant has not been reported in the literature. This variant is reported in 0.0070% of alleles in individuals of European (Non-Finnish) descent in gnomAD. At this time, the clinical significance of this variant is uncertain due to the absence of conclusive functional and genetic evidence.

Revvity Omics, Revvity
Classification: Uncertain significance. Last evaluated: 2022-08-29. Review status: criteria provided, single submitter. Criteria: ACMG Guidelines, 2015. Collection method: clinical testing. Allele origin: germline.

Fulgent Genetics
Classification: Uncertain significance for Tibial muscular dystrophy; Myopathy, myofibrillar, 9, with early respiratory failure; Dilated cardiomyopathy 1G; Autosomal recessive limb-girdle muscular dystrophy type 2J; Early-onset myopathy with fatal cardiomyopathy; Hypertrophic cardiomyopathy 9. Last evaluated: 2021-09-14. Review status: criteria provided, single submitter. Criteria: ACMG Guidelines, 2015. Collection method: clinical testing. Allele origin: unknown.

CeGaT Center for Human Genetics Tuebingen
Classification: Uncertain significance. Last evaluated: 2021-07-01. Review status: criteria provided, single submitter. Criteria: CeGaT Center For Human Genetics Tuebingen Variant Classification Criteria Version 2. Collection method: clinical testing. Allele origin: germline. Affected: yes. Observed: 1 variant allele.

Ambry Genetics
Classification: Uncertain significance for Cardiovascular phenotype. Last evaluated: 2019-05-06. Review status: criteria provided, single submitter. Criteria: Ambry Variant Classification Scheme 2023. Collection method: clinical testing. Allele origin: germline.
Comment: The p.A17429V variant (also known as c.52286C>T), located in coding exon 153 of the TTN gene, results from a C to T substitution at nucleotide position 52286. The alanine at codon 17429 is replaced by valine, an amino acid with similar properties. This amino acid position is not well conserved in available vertebrate species, and valine is the reference amino acid in other vertebrate species. In addition, this alteration is predicted to be tolerated by in silico analysis. Since supporting evidence is limited at this time, the clinical significance of this alteration remains unclear.

Eurofins Ntd Llc (ga)
Classification: Uncertain significance. Last evaluated: 2015-03-17. Review status: criteria provided, single submitter. Criteria: EGL Classification Definitions 2015. Collection method: clinical testing. Allele origin: germline. Observed: 1 variant allele, 1 heterozygote.